The following is an entry in ClinVar:

NM_001130918.3(TTLL6):c.2136G>T (p.Glu712Asp)

Gene: TTLL6 (tubulin tyrosine ligase like 6; minus strand). Cytogenetic location: 17q21.32.
Variant type: single nucleotide variant.
Coding change: c.2136G>T on transcript NM_001130918.3 (MANE Select); coding-DNA position 2136, G replaced by T.
Protein change: p.Glu712Asp; replaces glutamic acid 712 with aspartic acid.
Molecular consequence: missense variant. On other transcripts: intron variant (1).
Genome position (GRCh38, 1-based): chr17:48,770,002, C>A on the plus strand (G>T on the coding strand, the complement: TTLL6 is on the minus strand). VCF-style: chr17-48770002-C-A. GRCh37 (hg19) VCF-style: chr17-46847364-C-A.
Other names: c.1215G>T, p.Glu405Asp (NM_173623.4); c.1582-7029G>T (NM_001366314.2); short protein forms E405D, E712D.
Identifiers: ClinVar variation 1263302 (VCV001263302.3), dbSNP rs2032844, ClinGen allele CA8634225.

ClinVar aggregate classification (germline): Benign. Review status: criteria provided, multiple submitters, no conflicts (2 of 4 stars). 2 submissions from 2 submitters: Benign (2). Last evaluated 2018-07-13.

Allele frequency attached by ClinVar (database versions not stated): 1000 Genomes Project 0.23822; 1000 Genomes Project 30x 0.24329; ESP Exome Variant Server 0.25227; ExAC 0.25309; gnomAD exomes 0.26046; gnomAD 0.26275 and 0.26542; TOPMed 0.27611.

Submissions (2):

GeneDx
Classification: Benign. Last evaluated: 2018-07-13. Review status: criteria provided, single submitter. Criteria: GeneDx Variant Classification Process June 2021. Collection method: clinical testing. Allele origin: germline. Affected: yes.
Comment: This variant is associated with the following publications: (PMID: 29632382)

Breakthrough Genomics
Classification: Benign. Review status: criteria provided, single submitter. Criteria: ACMG Guidelines, 2015. Collection method: not provided. Allele origin: germline. Inheritance: Unknown mechanism. Affected: yes.